The following is an entry in ClinVar:

NM_021224.6(ZNF462):c.1486A>G (p.Thr496Ala)

Gene: ZNF462 (zinc finger protein 462; plus strand). Cytogenetic location: 9q31.2.
Variant type: single nucleotide variant.
Coding change: c.1486A>G on transcript NM_021224.6 (MANE Select); coding-DNA position 1486, A replaced by G.
Protein change: p.Thr496Ala; replaces threonine 496 with alanine.
Molecular consequence: missense variant.
Genome position (GRCh38, 1-based): chr9:106,925,398, A>G. VCF-style: chr9-106925398-A-G. GRCh37 (hg19) VCF-style: chr9-109687679-A-G.
Other names: c.1486A>G, p.Thr496Ala (NM_001347997.2); short protein forms T496A.
Identifiers: ClinVar variation 3195919 (VCV003195919.1), dbSNP rs756323605, ClinGen allele CA5171332.

ClinVar aggregate classification (germline): Uncertain significance (1 of 4 stars; one submission).

Conditions:
Inborn genetic diseases. Identifiers: MedGen C0950123, MeSH D030342.

Allele frequency attached by ClinVar (database versions not stated): gnomAD 0.00001; TOPMed 0.00003.
gnomAD v4.1: 9 of 1,614,118 alleles (0.00056%); highest among the groups gnomAD compares: Admixed American, 0.005%; no homozygotes.

Submission:

Ambry Genetics
Classification: Uncertain significance for Inborn genetic diseases. Last evaluated: 2021-01-28. Review status: criteria provided, single submitter. Criteria: Ambry Variant Classification Scheme 2023. Collection method: clinical testing. Allele origin: germline.
Comment: The c.1486A>G (p.T496A) alteration is located in exon 3 (coding exon 2) of the ZNF462 gene. This alteration results from a A to G substitution at nucleotide position 1486, causing the threonine (T) at amino acid position 496 to be replaced by an alanine (A). The p.T496A alteration is predicted to be tolerated by in silico analysis. Based on insufficient or conflicting evidence, the clinical significance of this alteration remains unclear.